The following is an entry in ClinVar:

NM_020778.5(ALPK3):c.4217T>C (p.Leu1406Pro)

Gene: ALPK3 (alpha kinase 3; plus strand). Cytogenetic location: 15q25.3.
Variant type: single nucleotide variant.
Coding change: c.4217T>C on transcript NM_020778.5 (MANE Select); coding-DNA position 4217, T replaced by C.
Protein change: p.Leu1406Pro; replaces leucine 1406 with proline.
Molecular consequence: missense variant.
Genome position (GRCh38, 1-based): chr15:84,862,722, T>C. VCF-style: chr15-84862722-T-C. GRCh37 (hg19) VCF-style: chr15-85405953-T-C.
Other names: short protein forms L1406P.
Identifiers: ClinVar variation 1395008 (VCV001395008.6), dbSNP rs2141572615, ClinGen allele CA393362772.

ClinVar aggregate classification (germline): Uncertain significance (1 of 4 stars; one submission).

Submission:

Labcorp Genetics (formerly Invitae), Labcorp
Classification: Uncertain significance. Last evaluated: 2022-10-24. Review status: criteria provided, single submitter. Criteria: Invitae Variant Classification Sherloc (09022015). Collection method: clinical testing. Allele origin: germline.
Comment: This sequence change replaces leucine, which is neutral and non-polar, with proline, which is neutral and non-polar, at codon 1608 of the ALPK3 protein (p.Leu1608Pro). This variant is not present in population databases (gnomAD no frequency). This variant has not been reported in the literature in individuals affected with ALPK3-related conditions. ClinVar contains an entry for this variant (Variation ID: 1395008). Algorithms developed to predict the effect of missense changes on protein structure and function are either unavailable or do not agree on the potential impact of this missense change (SIFT: "Deleterious"; PolyPhen-2: "Probably Damaging"; Align-GVGD: "Class C0"). In summary, the available evidence is currently insufficient to determine the role of this variant in disease. Therefore, it has been classified as a Variant of Uncertain Significance.